The following is an entry in ClinVar:

ClinVar aggregate classification (germline): Conflicting classifications of pathogenicity. Review status: criteria provided, conflicting classifications (1 of 4 stars). 4 submissions from 4 submitters: Uncertain significance (3); Likely benign (1). Last evaluated 2025-10-13.

Conditions:
Inborn genetic diseases. Identifiers: MedGen C0950123, MeSH D030342.

Allele frequency attached by ClinVar (database versions not stated): gnomAD exomes 0.00002 and 0.00001; ExAC 0.00003; gnomAD 0.00005 and 0.00006; TOPMed 0.00007.
gnomAD v4.1: 23 of 1,612,932 alleles (0.0014%); highest among the groups gnomAD compares: African/African-American, 0.016%; no homozygotes.

Submissions (4):

Mayo Clinic Laboratories, Mayo Clinic
Classification: Likely benign. Last evaluated: 2025-10-13. Review status: criteria provided, single submitter. Criteria: ACMG Guidelines, 2015. Collection method: clinical testing. Allele origin: germline. Observed: 1 variant allele.
Comment: BS1, BP4_moderate

Women's Health and Genetics/Laboratory Corporation of America, LabCorp
Classification: Uncertain significance. Last evaluated: 2025-01-29. Review status: criteria provided, single submitter. Criteria: LabCorp Variant Classification Summary - May 2015. Collection method: clinical testing. Allele origin: germline.

Ambry Genetics
Classification: Uncertain significance for Inborn genetic diseases. Last evaluated: 2024-08-11. Review status: criteria provided, single submitter. Criteria: Ambry Variant Classification Scheme 2023. Collection method: clinical testing. Allele origin: germline.

Labcorp Genetics (formerly Invitae), Labcorp
Classification: Uncertain significance. Last evaluated: 2022-09-07. Review status: criteria provided, single submitter. Criteria: Invitae Variant Classification Sherloc (09022015). Collection method: clinical testing. Allele origin: germline.
Comment: This sequence change replaces isoleucine, which is neutral and non-polar, with threonine, which is neutral and polar, at codon 225 of the DTNBP1 protein (p.Ile225Thr). This variant is present in population databases (rs752660550, gnomAD 0.02%). This variant has not been reported in the literature in individuals affected with DTNBP1-related conditions. ClinVar contains an entry for this variant (Variation ID: 1469227). Algorithms developed to predict the effect of missense changes on protein structure and function are either unavailable or do not agree on the potential impact of this missense change (SIFT: "Deleterious"; PolyPhen-2: "Benign"; Align-GVGD: "Class C55"). In summary, the available evidence is currently insufficient to determine the role of this variant in disease. Therefore, it has been classified as a Variant of Uncertain Significance.

NM_032122.5(DTNBP1):c.674T>C (p.Ile225Thr)

Gene: DTNBP1 (dystrobrevin binding protein 1; minus strand). Cytogenetic location: 6p22.3.
Variant type: single nucleotide variant.
Coding change: c.674T>C on transcript NM_032122.5 (MANE Select); coding-DNA position 674, T replaced by C.
Protein change: p.Ile225Thr; replaces isoleucine 225 with threonine.
Molecular consequence: missense variant. On other transcripts: non-coding transcript variant (1).
Genome position (GRCh38, 1-based): chr6:15,524,663, A>G on the plus strand (T>C on the coding strand, the complement: DTNBP1 is on the minus strand). VCF-style: chr6-15524663-A-G. GRCh37 (hg19) VCF-style: chr6-15524894-A-G.
Other names: p.Ile225Thr; c.674T>C (NM_032122.4); c.431T>C, p.Ile144Thr (NM_001271667.2); c.623T>C, p.Ile208Thr (NM_001271668.2); c.569T>C, p.Ile190Thr (NM_001271669.2); c.674T>C, p.Ile225Thr (NM_183040.2); short protein forms I144T, I190T, I208T, I225T.
Identifiers: ClinVar variation 1469227 (VCV001469227.7), dbSNP rs752660550, ClinGen allele CA3643915.